The following is an entry in ClinVar:

ClinVar aggregate classification (germline): Conflicting classifications of pathogenicity. Review status: criteria provided, conflicting classifications (1 of 4 stars). 3 submissions from 3 submitters: Uncertain significance (2); Likely benign (1). Last evaluated 2026-03-03.

Conditions:
Inborn genetic diseases. Identifiers: MedGen C0950123, MeSH D030342.
Nemaline myopathy 2 (NEM2). Also called: Nemaline myopathy 2, autosomal recessive. Identifiers: MedGen C1850569, MONDO:0009725, OMIM 256030.

Allele frequency attached by ClinVar (database versions not stated): gnomAD exomes 0.00001; TOPMed 0.00002; ExAC 0.00003; gnomAD 0.00001.
gnomAD v4.1: 5 of 1,613,586 alleles (0.00031%); highest among the groups gnomAD compares: Admixed American, 0.0083%; no homozygotes.

Submissions (3):

Ambry Genetics
Classification: Uncertain significance for Inborn genetic diseases. Last evaluated: 2026-03-03. Review status: criteria provided, single submitter. Criteria: Ambry Variant Classification Scheme 2023. Collection method: clinical testing. Allele origin: germline.
Comment: The c.7144A>C (p.K2382Q) alteration is located in exon 53 (coding exon 51) of the NEB gene. This alteration results from a A to C substitution at nucleotide position 7144, causing the lysine (K) at amino acid position 2382 to be replaced by a glutamine (Q). Based on data from gnomAD, the C allele has an overall frequency of 0.002% (6/248450) total alleles studied. The highest observed frequency was 0.017% (6/34492) of Latino alleles. Based on insufficient or conflicting evidence, the clinical significance of this alteration remains unclear.

Labcorp Genetics (formerly Invitae), Labcorp
Classification: Likely benign for Nemaline myopathy 2. Last evaluated: 2026-01-03. Review status: criteria provided, single submitter. Criteria: Invitae Variant Classification Sherloc (09022015). Collection method: clinical testing. Allele origin: germline.

GeneDx
Classification: Uncertain significance. Last evaluated: 2023-03-28. Review status: criteria provided, single submitter. Criteria: GeneDx Variant Classification Process June 2021. Collection method: clinical testing. Allele origin: germline. Affected: yes.
Comment: In silico analysis supports that this missense variant does not alter protein structure/function; Has not been previously published as pathogenic or benign to our knowledge

NM_001164508.2(NEB):c.7144A>C (p.Lys2382Gln)

Gene: NEB (nebulin; minus strand). Cytogenetic location: 2q23.3.
Variant type: single nucleotide variant.
Coding change: c.7144A>C on transcript NM_001164508.2 (MANE Select); coding-DNA position 7144, A replaced by C.
Protein change: p.Lys2382Gln; replaces lysine 2382 with glutamine.
Molecular consequence: missense variant.
Genome position (GRCh38, 1-based): chr2:151,650,657, T>G on the plus strand (A>C on the coding strand, the complement: NEB is on the minus strand). VCF-style: chr2-151650657-T-G. GRCh37 (hg19) VCF-style: chr2-152507171-T-G.
Other names: c.7144A>C (NM_004543.4); c.7144A>C, p.Lys2382Gln (NM_001164507.2, NM_001271208.2, NM_004543.5); short protein forms K2382Q.
Identifiers: ClinVar variation 2085575 (VCV002085575.6), dbSNP rs764757576, ClinGen allele CA1909924.